The following is an entry in ClinVar:

NM_133510.4(RAD51B):c.779C>G (p.Thr260Arg)

Gene: RAD51B (RAD51 paralog B; plus strand). Cytogenetic location: 14q24.1.
Variant type: single nucleotide variant.
Coding change: c.779C>G on transcript NM_133510.4 (MANE Select); coding-DNA position 779, C replaced by G.
Protein change: p.Thr260Arg; replaces threonine 260 with arginine.
Molecular consequence: missense variant.
Genome position (GRCh38, 1-based): chr14:68,291,906, C>G. VCF-style: chr14-68291906-C-G. GRCh37 (hg19) VCF-style: chr14-68758623-C-G.
Other names: c.779C>G, p.Thr260Arg (NM_001321809.2, NM_001321810.2, NM_001321812.1 and 6 more transcripts); c.665C>G, p.Thr222Arg (NM_001321815.1); c.422C>G, p.Thr141Arg (NM_001321817.2); short protein forms T222R, T260R, T141R.
Identifiers: ClinVar variation 4575309 (VCV004575309.1).

ClinVar aggregate classification (germline): Uncertain significance (1 of 4 stars; one submission).

Submission:

Ambry Genetics
Classification: Uncertain significance. Last evaluated: 2025-11-05. Review status: criteria provided, single submitter. Criteria: Ambry Variant Classification Scheme 2023. Collection method: clinical testing. Allele origin: germline.
Comment: The p.T260R variant (also known as c.779C>G), located in coding exon 7 of the RAD51B gene, results from a C to G substitution at nucleotide position 779. The threonine at codon 260 is replaced by arginine, an amino acid with similar properties. This amino acid position is conserved. In addition, the in silico prediction for this alteration is inconclusive. Based on the available evidence, the clinical significance of this variant remains unclear.